The following is an entry in ClinVar:

NM_001080508.3(TBX18):c.1070T>C (p.Phe357Ser)

Gene: TBX18 (T-box transcription factor 18; minus strand). Cytogenetic location: 6q14.3.
Variant type: single nucleotide variant.
Coding change: c.1070T>C on transcript NM_001080508.3 (MANE Select); coding-DNA position 1070, T replaced by C.
Protein change: p.Phe357Ser; replaces phenylalanine 357 with serine.
Molecular consequence: missense variant.
Genome position (GRCh38, 1-based): chr6:84,738,526, A>G on the plus strand (T>C on the coding strand, the complement: TBX18 is on the minus strand). VCF-style: chr6-84738526-A-G. GRCh37 (hg19) VCF-style: chr6-85448244-A-G.
Other names: short protein forms F357S.
Identifiers: ClinVar variation 3602191 (VCV003602191.1).
Genomic context (GRCh38, chr6:84,738,526, plus strand): 5'-TATATATGACCCAGGAGACTTTGTGAGTTACCTTGCTTGGGAATTCCAGGGATATCTTCA[A>G]AGGTCAGAGTCCGTAGTGATGGTCGCCAGAATGCATATGATTCCACCAAGGCTTCCAAAC-3'
Protein context (NP_001073977.1, residues 347-367): FWRPSLRTLT[Phe357Ser]EDIPGIPKQG

ClinVar aggregate classification (germline): Uncertain significance (1 of 4 stars; one submission).

gnomAD v4.1: 30 of 1,614,022 alleles (0.0019%); highest among the groups gnomAD compares: Non-Finnish European, 0.0025%; no homozygotes.

Submission:

GeneDx
Classification: Uncertain significance. Last evaluated: 2024-08-02. Review status: criteria provided, single submitter. Criteria: GeneDx Variant Classification Process June 2021. Collection method: clinical testing. Allele origin: germline. Affected: yes.
Comment: Not observed at significant frequency in large population cohorts (gnomAD); In silico analysis supports that this missense variant has a deleterious effect on protein structure/function; Has not been previously published as pathogenic or benign to our knowledge